The following is an entry in ClinVar:

NM_003238.6(TGFB2):c.357G>A (p.Pro119=)

Gene: TGFB2 (transforming growth factor beta 2; plus strand). Cytogenetic location: 1q41.
Variant type: single nucleotide variant.
Coding change: c.357G>A on transcript NM_003238.6 (MANE Select); coding-DNA position 357, G replaced by A.
Protein change: p.Pro119=; no amino-acid change (proline 119 retained).
Molecular consequence: synonymous variant. On other transcripts: non-coding transcript variant (2).
Genome position (GRCh38, 1-based): chr1:218,405,179, G>A. VCF-style: chr1-218405179-G-A. GRCh37 (hg19) VCF-style: chr1-218578521-G-A.
Other names: p.P119P:CCG>CCA; c.441G>A, p.Pro147= (NM_001135599.4).
Identifiers: ClinVar variation 213836 (VCV000213836.42), dbSNP rs138514914, ClinGen allele CA323220.

ClinVar aggregate classification (germline): Benign/Likely benign. Review status: criteria provided, multiple submitters, no conflicts (2 of 4 stars). 11 submissions from 11 submitters: Benign (4); Likely benign (7). Last evaluated 2026-01-17.

Conditions:
Loeys-Dietz syndrome 4 (LDS4). Also called: TGFB2-Related Loeys-Dietz Syndrome; ANEURYSM, AORTIC AND CEREBRAL, WITH ARTERIAL TORTUOSITY AND SKELETAL MANIFESTATIONS. Identifiers: MedGen C3553762, MONDO:0013897, OMIM 614816.
Connective tissue disorder. Also called: Connective tissue disease. Identifiers: MedGen C0009782, MONDO:0003900.
Ehlers-Danlos syndrome (EDS). Identifiers: Orphanet 98249, MedGen C0013720, MONDO:0020066.
Familial thoracic aortic aneurysm and aortic dissection (TAAD). Also called: Thoracic aortic aneurysms and dissections. Identifiers: Orphanet 91387, MedGen C4707243, MONDO:0019625.

Allele frequency attached by ClinVar (database versions not stated): TOPMed 0.00047; gnomAD 0.00054 and 0.00055; ESP Exome Variant Server 0.00069; ExAC 0.00089; gnomAD exomes 0.00094.
gnomAD v4.1: 854 of 1,582,866 alleles (0.054%); highest among the groups gnomAD compares: South Asian, 0.14%; 7 homozygotes.

Submissions (11):

Labcorp Genetics (formerly Invitae), Labcorp
Classification: Benign for Loeys-Dietz syndrome 4. Last evaluated: 2026-01-17. Review status: criteria provided, single submitter. Criteria: Invitae Variant Classification Sherloc (09022015). Collection method: clinical testing. Allele origin: germline.

CeGaT Center for Human Genetics Tuebingen
Classification: Likely benign. Last evaluated: 2024-11-01. Review status: criteria provided, single submitter. Criteria: CeGaT Center For Human Genetics Tuebingen Variant Classification Criteria Version 2. Collection method: clinical testing. Allele origin: germline. Affected: yes. Observed: 1 variant allele.
Comment: TGFB2: BP4, BP7

Blueprint Genetics
Classification: Likely benign. Last evaluated: 2024-10-17. Review status: criteria provided, single submitter. Criteria: ACMG Guidelines, 2015. Collection method: clinical testing. Allele origin: germline.

ARUP Laboratories, Molecular Genetics and Genomics, ARUP Laboratories
Classification: Benign for Loeys-Dietz syndrome 4. Last evaluated: 2023-05-15. Review status: criteria provided, single submitter. Criteria: ARUP Molecular Germline Variant Investigation Process 2024. Collection method: clinical testing. Allele origin: germline.

Genome Diagnostics Laboratory, The Hospital for Sick Children
Classification: Likely benign for Ehlers-Danlos syndrome. Last evaluated: 2021-12-08. Review status: criteria provided, single submitter. Criteria: ACMG Guidelines, 2015. Collection method: clinical testing. Allele origin: germline.

Women's Health and Genetics/Laboratory Corporation of America, LabCorp
Classification: Likely benign. Last evaluated: 2021-08-28. Review status: criteria provided, single submitter. Criteria: LabCorp Variant Classification Summary - May 2015. Collection method: clinical testing. Allele origin: germline.

Fulgent Genetics
Classification: Likely benign for Loeys-Dietz syndrome 4. Last evaluated: 2021-07-27. Review status: criteria provided, single submitter. Criteria: ACMG Guidelines, 2015. Collection method: clinical testing. Allele origin: unknown.

Center for Human Genetics, Inc
Classification: Likely benign for Connective tissue disorder. Last evaluated: 2018-06-01. Review status: criteria provided, single submitter. Criteria: ACMG Guidelines, 2015. Collection method: clinical testing. Allele origin: germline. Affected: yes.

Illumina Laboratory Services, Illumina
Classification: Benign for Loeys-Dietz syndrome 4. Last evaluated: 2018-01-13. Review status: criteria provided, single submitter. Criteria: ICSL Variant Classification Criteria 13 December 2019. Collection method: clinical testing. Allele origin: germline.
Comment: This variant was observed in the ICSL laboratory as part of a predisposition screen in an ostensibly healthy population. It had not been previously curated by ICSL or reported in the Human Gene Mutation Database (HGMD: prior to June 1st, 2018), and was therefore a candidate for classification through an automated scoring system. Utilizing variant allele frequency, disease prevalence and penetrance estimates, and inheritance mode, an automated score was calculated to assess if this variant is too frequent to cause the disease. Based on the score and internal cut-off values, a variant classified as benign is not then subjected to further curation. The score for this variant resulted in a classification of benign for this disease.

Ambry Genetics
Classification: Likely benign for Familial thoracic aortic aneurysm and aortic dissection. Last evaluated: 2015-03-16. Review status: criteria provided, single submitter. Criteria: Ambry Variant Classification Scheme 2023. Collection method: clinical testing. Allele origin: germline.

GeneDx
Classification: Benign. Last evaluated: 2015-03-02. Review status: criteria provided, single submitter. Criteria: GeneDx Variant Classification (06012015). Collection method: clinical testing. Allele origin: germline. Affected: yes.
Comment: This variant is considered likely benign or benign based on one or more of the following criteria: it is a conservative change, it occurs at a poorly conserved position in the protein, it is predicted to be benign by multiple in silico algorithms, and/or has population frequency not consistent with disease.